The following is an entry in ClinVar:

ClinVar aggregate classification (germline): Uncertain significance (1 of 4 stars; one submission).

Conditions:
Developmental and epileptic encephalopathy 94 (DEE94). Also called: CHD2-Related Neurodevelopmental Disorders; Epileptic encephalopathy, childhood-onset. Identifiers: Orphanet 1942, Orphanet 2382, MedGen C3809278, MONDO:0014150, OMIM 615369.

Allele frequency attached by ClinVar (database versions not stated): TOPMed below 0.00001; gnomAD 0.00001.
gnomAD v4.1: 2 of 1,614,080 alleles (0.00012%); highest among the groups gnomAD compares: African/African-American, 0.0013%; no homozygotes.

Submission:

Labcorp Genetics (formerly Invitae), Labcorp
Classification: Uncertain significance for Developmental and epileptic encephalopathy 94. Last evaluated: 2022-02-05. Review status: criteria provided, single submitter. Criteria: Invitae Variant Classification Sherloc (09022015). Collection method: clinical testing. Allele origin: germline.
Comment: This variant is present in population databases (no rsID available, gnomAD 0.01%). In summary, the available evidence is currently insufficient to determine the role of this variant in disease. Therefore, it has been classified as a Variant of Uncertain Significance. Advanced modeling of protein sequence and biophysical properties (such as structural, functional, and spatial information, amino acid conservation, physicochemical variation, residue mobility, and thermodynamic stability) performed at Invitae indicates that this missense variant is not expected to disrupt CHD2 protein function. ClinVar contains an entry for this variant (Variation ID: 1054563). This variant has not been reported in the literature in individuals affected with CHD2-related conditions. This sequence change replaces serine, which is neutral and polar, with leucine, which is neutral and non-polar, at codon 1598 of the CHD2 protein (p.Ser1598Leu).

NM_001271.4(CHD2):c.4793C>T (p.Ser1598Leu)

Gene: CHD2 (chromodomain helicase DNA binding protein 2; plus strand). Cytogenetic location: 15q26.1.
Variant type: single nucleotide variant.
Coding change: c.4793C>T on transcript NM_001271.4 (MANE Select); coding-DNA position 4793, C replaced by T.
Protein change: p.Ser1598Leu; replaces serine 1598 with leucine.
Molecular consequence: missense variant.
Genome position (GRCh38, 1-based): chr15:93,014,796, C>T. VCF-style: chr15-93014796-C-T. GRCh37 (hg19) VCF-style: chr15-93558026-C-T.
Other names: short protein forms S1598L.
Identifiers: ClinVar variation 1054563 (VCV001054563.9), dbSNP rs1382300456, ClinGen allele CA393906703.
Genomic context (GRCh38, chr15:93,014,796, plus strand): 5'-CATTTCGTCCAGAGGCCTCAGGCTCCAGCCGGGACTCTCTGATATCTCAGTCCCATACCT[C>T]ACACAACCTTCACCCTCAGAAGCCTCATTTGCCTGCCTCCCATGGCCCACAGATGCATGG-3'
Protein context (NP_001262.3, residues 1588-1608): RDSLISQSHT[Ser1598Leu]HNLHPQKPHL